The following is an entry in ClinVar:

ClinVar aggregate classification (germline): Uncertain significance (1 of 4 stars; one submission).

Conditions:
H syndrome. Also called: HISTIOCYTOSIS AND LYMPHADENOPATHY WITH OR WITHOUT CUTANEOUS, CARDIAC, AND/OR ENDOCRINE FEATURES, JOINT CONTRACTURES, AND/OR DEAFNESS; HYPERPIGMENTATION, CUTANEOUS, WITH HYPERTRICHOSIS, HEPATOSPLENOMEGALY, HEART ANOMALIES, AND HYPOGONADISM WITH OR WITHOUT HEARING LOSS; PIGMENTED HYPERTRICHOSIS WITH INSULIN-DEPENDENT DIABETES MELLITUS; ROSAI-DORFMAN DISEASE, FAMILIAL; SINUS HISTIOCYTOSIS AND MASSIVE LYMPHADENOPATHY; Hyperpigmentation, Cutaneous, with Hypertrichosis, Hepatosplenomegaly, Heart Anomalies, Hearing Loss, and Hypogonadism. Identifiers: Orphanet 168569, MedGen C1864445, MONDO:0011273, OMIM 602782.

Submission:

Labcorp Genetics (formerly Invitae), Labcorp
Classification: Uncertain significance for H syndrome. Last evaluated: 2022-06-14. Review status: criteria provided, single submitter. Criteria: Invitae Variant Classification Sherloc (09022015). Collection method: clinical testing. Allele origin: germline.
Comment: This variant is not present in population databases (gnomAD no frequency). This variant has not been reported in the literature in individuals affected with SLC29A3-related conditions. Algorithms developed to predict the effect of missense changes on protein structure and function are either unavailable or do not agree on the potential impact of this missense change (SIFT: "Tolerated"; PolyPhen-2: "Possibly Damaging"; Align-GVGD: "Class C0"). In summary, the available evidence is currently insufficient to determine the role of this variant in disease. Therefore, it has been classified as a Variant of Uncertain Significance. This sequence change replaces histidine, which is basic and polar, with tyrosine, which is neutral and polar, at codon 268 of the SLC29A3 protein (p.His268Tyr).

NM_018344.6(SLC29A3):c.802C>T (p.His268Tyr)

Gene: SLC29A3 (solute carrier family 29 member 3; plus strand). Cytogenetic location: 10q22.1.
Variant type: single nucleotide variant.
Coding change: c.802C>T on transcript NM_018344.6 (MANE Select); coding-DNA position 802, C replaced by T.
Protein change: p.His268Tyr; replaces histidine 268 with tyrosine.
Molecular consequence: missense variant. On other transcripts: 3 prime UTR variant (1), non-coding transcript variant (2).
Genome position (GRCh38, 1-based): chr10:71,361,982, C>T. VCF-style: chr10-71361982-C-T. GRCh37 (hg19) VCF-style: chr10-73121739-C-T.
Other names: c.*31C>T (NM_001174098.2); c.568C>T, p.His190Tyr (NM_001363518.2); short protein forms H268Y, H190Y.
Identifiers: ClinVar variation 1969970 (VCV001969970.5), dbSNP rs2492503628, ClinGen allele CA377113860.